The following is an entry in ClinVar:

NM_000138.5(FBN1):c.8327G>A (p.Arg2776Gln)

Gene: FBN1 (fibrillin 1; minus strand). Cytogenetic location: 15q21.1.
Variant type: single nucleotide variant.
Coding change: c.8327G>A on transcript NM_000138.5 (MANE Select); coding-DNA position 8327, G replaced by A.
Protein change: p.Arg2776Gln; replaces arginine 2776 with glutamine.
Molecular consequence: missense variant.
Genome position (GRCh38, 1-based): chr15:48,411,279, C>T on the plus strand (G>A on the coding strand, the complement: FBN1 is on the minus strand). VCF-style: chr15-48411279-C-T. GRCh37 (hg19) VCF-style: chr15-48703476-C-T.
Other names: p.Arg2776Gln; short protein forms R2776Q.
Identifiers: ClinVar variation 406302 (VCV000406302.15), dbSNP rs748327743, ClinGen allele CA059942.

ClinVar aggregate classification (germline): Conflicting classifications of pathogenicity. Review status: criteria provided, conflicting classifications (1 of 4 stars). 4 submissions from 4 submitters: Uncertain significance (3); Benign (1). Last evaluated 2024-08-16.

Conditions:
Familial thoracic aortic aneurysm and aortic dissection (TAAD). Also called: Thoracic aortic aneurysms and dissections. Identifiers: Orphanet 91387, MedGen C4707243, MONDO:0019625.
Marfan syndrome (MFS). Also called: Marfan syndrome, classic; Marfan syndrome type 1; Marfan's syndrome; MARFAN SYNDROME, TYPE I; FBN1-Related Marfan Syndrome. Identifiers: Orphanet 284963, Orphanet 558, MedGen C0024796, MONDO:0007947, OMIM 154700.

Allele frequency attached by ClinVar (database versions not stated): ExAC 0.00001; gnomAD exomes 0.00001; gnomAD 0.00002 and 0.00001; TOPMed 0.00003.
gnomAD v4.1: 19 of 1,613,910 alleles (0.0012%); highest among the groups gnomAD compares: African/African-American, 0.0093%; no homozygotes.

Submissions (4):

Labcorp Genetics (formerly Invitae), Labcorp
Classification: Benign for Marfan syndrome; Familial thoracic aortic aneurysm and aortic dissection. Last evaluated: 2024-08-16. Review status: criteria provided, single submitter. Criteria: Invitae Variant Classification Sherloc (09022015). Collection method: clinical testing. Allele origin: germline.

Mayo Clinic Laboratories, Mayo Clinic
Classification: Uncertain significance. Last evaluated: 2023-11-03. Review status: criteria provided, single submitter. Criteria: ACMG Guidelines, 2015. Collection method: clinical testing. Allele origin: germline. Observed: 1 variant allele.
Comment: BS1

All of Us Research Program, National Institutes of Health
Classification: Uncertain significance for Marfan syndrome. Last evaluated: 2023-10-23. Review status: criteria provided, single submitter. Criteria: ACMG Guidelines, 2015. Collection method: clinical testing. Allele origin: germline. Inheritance: Autosomal dominant inheritance. Observed: 1 variant allele, 1 heterozygote.
Comment: This missense variant replaces arginine with glutamine at codon 2776 of the FBN1 protein. Computational prediction suggests that this variant may not impact protein structure and function (internally defined REVEL score threshold <= 0.5, PMID: 27666373). Splice site prediction tools suggest that this variant may not impact RNA splicing. To our knowledge, functional studies have not been performed for this variant. This variant has not been reported in individuals affected with cardiovascular disorders in the literature. This variant has been identified in 4/282764 chromosomes in the general population by the Genome Aggregation Database (gnomAD). The available evidence is insufficient to determine the role of this variant in disease conclusively. Therefore, this variant is classified as a Variant of Uncertain Significance.

This study involves interpretation of variants in research participants for the purpose of population health screening. Participant phenotype was not available at the time of variant classification. Additional details can be found in publication PMID: 35346344, PMCID: PMC8962531

Color Diagnostics, LLC DBA Color Health
Classification: Uncertain significance for Familial thoracic aortic aneurysm and aortic dissection. Last evaluated: 2023-10-04. Review status: criteria provided, single submitter. Criteria: ACMG Guidelines, 2015. Collection method: clinical testing. Allele origin: germline.
Comment: This missense variant replaces arginine with glutamine at codon 2776 of the FBN1 protein. Computational prediction suggests that this variant may not impact protein structure and function (internally defined REVEL score threshold <= 0.5, PMID: 27666373). To our knowledge, functional studies have not been reported for this variant. This variant has not been reported in individuals affected with FBN1-related disorders in the literature. This variant has been identified in 4/282764 chromosomes in the general population by the Genome Aggregation Database (gnomAD). The available evidence is insufficient to determine the role of this variant in disease conclusively. Therefore, this variant is classified as a Variant of Uncertain Significance.